The following is an entry in ClinVar:

ClinVar aggregate classification (germline): Likely benign (1 of 4 stars; one submission).

Submission:

CeGaT Center for Human Genetics Tuebingen
Classification: Likely benign. Last evaluated: 2026-06-01. Review status: criteria provided, single submitter. Criteria: CeGaT Center For Human Genetics Tuebingen Variant Classification Criteria Version 2. Collection method: clinical testing. Allele origin: germline. Affected: yes. Observed: 1 variant allele.
Comment: CEBPA: PM2:Supporting, BP4, BP7

NM_004364.5(CEBPA):c.288C>G (p.Gly96=)

Gene: CEBPA (CCAAT enhancer binding protein alpha; minus strand). Cytogenetic location: 19q13.11.
Variant type: single nucleotide variant.
Coding change: c.288C>G on transcript NM_004364.5 (MANE Select); coding-DNA position 288, C replaced by G.
Protein change: p.Gly96=; no amino-acid change (glycine 96 retained).
Molecular consequence: synonymous variant. On other transcripts: 5 prime UTR variant (1).
Genome position (GRCh38, 1-based): chr19:33,302,127, G>C on the plus strand (C>G on the coding strand, the complement: CEBPA is on the minus strand). VCF-style: chr19-33302127-G-C. GRCh37 (hg19) VCF-style: chr19-33793033-G-C.
Other names: c.393C>G, p.Gly131= (NM_001287424.2); c.246C>G, p.Gly82= (NM_001287435.2); c.-70C>G (NM_001285829.2).
Identifiers: ClinVar variation 4872881 (VCV004872881.2).
Genomic context (GRCh38, chr19:33,302,127, plus strand): 5'-GCCGGGGCCCGCGGGCGCGCCCGGGTAGTCAAAGTCGCCGCCGCCGCCGCCGCCCGTGGG[G>C]CCCACGGCCGCCTTGGCCTTCTCCTGCTGCCGGCTGTGCTGGAACAGGTCGGCCAGGAAC-3'
Protein context (NP_004355.2, residues 86-106): RQQEKAKAAV[Gly96=]PTGGGGGGDF